The following is an entry in ClinVar:

NM_144997.7(FLCN):c.1300+9C>G

Gene: FLCN (folliculin; minus strand). Cytogenetic location: 17p11.2.
Variant type: single nucleotide variant.
Coding change: c.1300+9C>G on transcript NM_144997.7 (MANE Select); 9 bases into the intron after coding-DNA position 1300, C replaced by G.
Molecular consequence: intron variant.
Genome position (GRCh38, 1-based): chr17:17,216,371, G>C on the plus strand (C>G on the coding strand, the complement: FLCN is on the minus strand). VCF-style: chr17-17216371-G-C. GRCh37 (hg19) VCF-style: chr17-17119685-G-C.
Other names: c.1300+9C>G (NM_001353231.2, NM_001353230.2); c.1354+9C>G (NM_001353229.2).
Identifiers: ClinVar variation 707309 (VCV000707309.11), dbSNP rs1197783802, ClinGen allele CA625014947.

ClinVar aggregate classification (germline): Likely benign. Review status: criteria provided, multiple submitters, no conflicts (2 of 4 stars). 2 submissions from 2 submitters: Likely benign (2). Last evaluated 2025-06-20.

Conditions:
Birt-Hogg-Dube syndrome 1 (BHD1). Also called: FIBROFOLLICULOMAS WITH TRICHODISCOMAS AND ACROCHORDONS. Identifiers: Orphanet 122, MedGen CN375946, MONDO:0800445, OMIM 135150.
Birt-Hogg-Dube syndrome. Also called: Birt Hogg Dubé syndrome. Identifiers: Orphanet 122, MedGen C0346010, MONDO:0800444.

Allele frequency attached by ClinVar (database versions not stated): gnomAD exomes below 0.00001.
gnomAD v4.1: 1 of 1,613,222 alleles (0.000062%); highest among the groups gnomAD compares: Non-Finnish European, 0.000085%; no homozygotes.

Submissions (2):

Labcorp Genetics (formerly Invitae), Labcorp
Classification: Likely benign for Birt-Hogg-Dube syndrome. Last evaluated: 2025-06-20. Review status: criteria provided, single submitter. Criteria: Invitae Variant Classification Sherloc (09022015). Collection method: clinical testing. Allele origin: germline.

Myriad Genetics, Inc.
Classification: Likely benign for Birt-Hogg-Dube syndrome 1. Last evaluated: 2024-10-24. Review status: criteria provided, single submitter. Criteria: Myriad Autosomal Dominant, Autosomal Recessive and X-Linked Classification Criteria (2023). Collection method: clinical testing. Allele origin: unknown.
Comment: This variant is considered likely benign. This variant is intronic and is not expected to impact mRNA splicing.